The following is an entry in ClinVar:

ClinVar aggregate classification (germline): Uncertain significance (1 of 4 stars; one submission).

gnomAD v4.1: 1 of 1,613,366 alleles (0.000062%); highest among the groups gnomAD compares: Non-Finnish European, 0.000085%; no homozygotes.

Submission:

Labcorp Genetics (formerly Invitae), Labcorp
Classification: Uncertain significance. Last evaluated: 2025-01-16. Review status: criteria provided, single submitter. Criteria: Invitae Variant Classification Sherloc (09022015). Collection method: clinical testing. Allele origin: germline.
Comment: This sequence change replaces isoleucine, which is neutral and non-polar, with threonine, which is neutral and polar, at codon 1780 of the COL11A1 protein (p.Ile1780Thr). This variant is not present in population databases (gnomAD no frequency). This variant has not been reported in the literature in individuals affected with COL11A1-related conditions. Invitae Evidence Modeling of protein sequence and biophysical properties (such as structural, functional, and spatial information, amino acid conservation, physicochemical variation, residue mobility, and thermodynamic stability) indicates that this missense variant is expected to disrupt COL11A1 protein function with a positive predictive value of 80%. In summary, the available evidence is currently insufficient to determine the role of this variant in disease. Therefore, it has been classified as a Variant of Uncertain Significance.

NM_001854.4(COL11A1):c.5339T>C (p.Ile1780Thr)

Gene: COL11A1 (collagen type XI alpha 1 chain; minus strand). Cytogenetic location: 1p21.1.
Variant type: single nucleotide variant.
Coding change: c.5339T>C on transcript NM_001854.4 (MANE Select); coding-DNA position 5339, T replaced by C.
Protein change: p.Ile1780Thr; replaces isoleucine 1780 with threonine.
Molecular consequence: missense variant. On other transcripts: non-coding transcript variant (1).
Genome position (GRCh38, 1-based): chr1:102,878,101, A>G on the plus strand (T>C on the coding strand, the complement: COL11A1 is on the minus strand). VCF-style: chr1-102878101-A-G. GRCh37 (hg19) VCF-style: chr1-103343657-A-G.
Other names: c.5222T>C, p.Ile1741Thr (NM_001190709.2); c.5375T>C, p.Ile1792Thr (NM_080629.3); c.4991T>C, p.Ile1664Thr (NM_080630.4); short protein forms I1780T, I1792T, I1741T, I1664T.
Identifiers: ClinVar variation 3719225 (VCV003719225.2).